The following is an entry in ClinVar:

NM_001430.5(EPAS1):c.1937A>T (p.His646Leu)

Gene: EPAS1 (endothelial PAS domain protein 1; plus strand). Cytogenetic location: 2p21.
Variant type: single nucleotide variant.
Coding change: c.1937A>T on transcript NM_001430.5 (MANE Select); coding-DNA position 1937, A replaced by T.
Protein change: p.His646Leu; replaces histidine 646 with leucine.
Molecular consequence: missense variant.
Genome position (GRCh38, 1-based): chr2:46,380,609, A>T. VCF-style: chr2-46380609-A-T. GRCh37 (hg19) VCF-style: chr2-46607748-A-T.
Other names: short protein forms H646L.
Identifiers: ClinVar variation 1782978 (VCV001782978.2), dbSNP rs1684865848, ClinGen allele CA346705190.
Genomic context (GRCh38, chr2:46,380,609, plus strand): 5'-CCCCTCTCTCTTCCATGGGGGGCAGATCCAATACCCAGTGGCCCCCAGATCCACCATTAC[A>T]TTTTGGGCCCACAAAGTGGGCCGTCGGGGATCAGCGCACAGAGTTCTTGGGAGCAGCGCC-3'
Protein context (NP_001421.2, residues 636-656): NTQWPPDPPL[His646Leu]FGPTKWAVGD

ClinVar aggregate classification (germline): Uncertain significance (1 of 4 stars; one submission).

Conditions:
Inborn genetic diseases. Identifiers: MedGen C0950123, MeSH D030342.

Submission:

Ambry Genetics
Classification: Uncertain significance for Inborn genetic diseases. Last evaluated: 2021-12-10. Review status: criteria provided, single submitter. Criteria: Ambry Variant Classification Scheme 2023. Collection method: clinical testing. Allele origin: germline.
Comment: The p.H646L variant (also known as c.1937A>T), located in coding exon 12 of the EPAS1 gene, results from an A to T substitution at nucleotide position 1937. The histidine at codon 646 is replaced by leucine, an amino acid with similar properties. This amino acid position is conserved. In addition, this alteration is predicted to be tolerated by in silico analysis. Since supporting evidence is limited at this time, the clinical significance of this alteration remains unclear.